The following is an entry in ClinVar:

NM_000182.5(HADHA):c.1488C>T (p.Gly496=)

Genes: HADHA (hydroxyacyl-CoA dehydrogenase trifunctional multienzyme complex subunit alpha; minus strand), GAREM2 (GRB2 associated regulator of MAPK1 subtype 2; plus strand). Cytogenetic location: 2p23.3.
Variant type: single nucleotide variant.
Coding change: c.1488C>T on transcript NM_000182.5 (MANE Select); coding-DNA position 1488, C replaced by T.
Protein change: p.Gly496=; no amino-acid change (glycine 496 retained).
Molecular consequence: synonymous variant.
Genome position (GRCh38, 1-based): chr2:26,195,224, G>A on the plus strand (C>T on the coding strand, the complement: HADHA is on the minus strand). VCF-style: chr2-26195224-G-A. GRCh37 (hg19) VCF-style: chr2-26418093-G-A.
Identifiers: ClinVar variation 386060 (VCV000386060.1), dbSNP rs138750492, ClinGen allele CA16604104.

ClinVar aggregate classification (germline): Likely benign (1 of 4 stars; one submission).

gnomAD v4.1: 3 of 1,612,876 alleles (0.00019%); highest among the groups gnomAD compares: Non-Finnish European, 0.00025%; no homozygotes.

Submission:

GeneDx
Classification: Likely benign. Last evaluated: 2016-05-20. Review status: criteria provided, single submitter. Criteria: GeneDx Variant Classification (06012015). Collection method: clinical testing. Allele origin: germline. Affected: yes.
Comment: This variant is considered likely benign or benign based on one or more of the following criteria: it is a conservative change, it occurs at a poorly conserved position in the protein, it is predicted to be benign by multiple in silico algorithms, and/or has population frequency not consistent with disease.